The following is an entry in ClinVar:

ClinVar aggregate classification (germline): Uncertain significance (1 of 4 stars; one submission).

Conditions:
Fanconi anemia (FA). Also called: Fanconi's anemia. Identifiers: Orphanet 84, MedGen C0015625, MeSH D005199, MONDO:0019391.

Allele frequency attached by ClinVar (database versions not stated): gnomAD exomes below 0.00001.
gnomAD v4.1: 1 of 1,610,958 alleles (0.000062%); highest among the groups gnomAD compares: South Asian, 0.0011%; no homozygotes.

Submission:

Labcorp Genetics (formerly Invitae), Labcorp
Classification: Uncertain significance for Fanconi anemia. Last evaluated: 2022-08-23. Review status: criteria provided, single submitter. Criteria: Invitae Variant Classification Sherloc (09022015). Collection method: clinical testing. Allele origin: germline.
Comment: This sequence change falls in intron 28 of the FANCA gene. It does not directly change the encoded amino acid sequence of the FANCA protein. It affects a nucleotide within the consensus splice site. This variant is not present in population databases (gnomAD no frequency). This variant has not been reported in the literature in individuals affected with FANCA-related conditions. Variants that disrupt the consensus splice site are a relatively common cause of aberrant splicing (PMID: 17576681, 9536098). Algorithms developed to predict the effect of sequence changes on RNA splicing suggest that this variant is not likely to affect RNA splicing. In summary, the available evidence is currently insufficient to determine the role of this variant in disease. Therefore, it has been classified as a Variant of Uncertain Significance.

Literature cited by the submitters: PubMed 17576681; PubMed 9536098.

NM_000135.4(FANCA):c.2779-3C>T

Gene: FANCA (FA complementation group A; minus strand). Cytogenetic location: 16q24.3.
Variant type: single nucleotide variant.
Coding change: c.2779-3C>T on transcript NM_000135.4 (MANE Select); 3 bases into the intron before coding-DNA position 2779, C replaced by T.
Molecular consequence: intron variant.
Genome position (GRCh38, 1-based): chr16:89,762,025, G>A on the plus strand (C>T on the coding strand, the complement: FANCA is on the minus strand). VCF-style: chr16-89762025-G-A. GRCh37 (hg19) VCF-style: chr16-89828433-G-A.
Other names: c.2779-3C>T (NM_001286167.3).
Identifiers: ClinVar variation 2185497 (VCV002185497.1), dbSNP rs2544168219, ClinGen allele CA2580092348.